The following is an entry in ClinVar:

ClinVar aggregate classification (germline): Uncertain significance (1 of 4 stars; one submission).

Conditions:
Nemaline myopathy 8 (NEM8). Also called: Nemaline myopathy 8, autosomal recessive. Identifiers: Orphanet 171430, MedGen C3809209, MONDO:0014138, OMIM 615348.

Submission:

Labcorp Genetics (formerly Invitae), Labcorp
Classification: Uncertain significance for Nemaline myopathy 8. Last evaluated: 2024-08-08. Review status: criteria provided, single submitter. Criteria: Invitae Variant Classification Sherloc (09022015). Collection method: clinical testing. Allele origin: germline.
Comment: This variant, c.890_892del, results in the deletion of 1 amino acid(s) of the KLHL40 protein (p.Glu297del), but otherwise preserves the integrity of the reading frame. This variant is not present in population databases (gnomAD no frequency). This variant has not been reported in the literature in individuals affected with KLHL40-related conditions. ClinVar contains an entry for this variant (Variation ID: 641052). Experimental studies and prediction algorithms are not available or were not evaluated, and the functional significance of this variant is currently unknown. In summary, the available evidence is currently insufficient to determine the role of this variant in disease. Therefore, it has been classified as a Variant of Uncertain Significance.

NM_152393.4(KLHL40):c.887AGG[1] (p.Glu297del)

Gene: KLHL40 (kelch like family member 40; plus strand). Cytogenetic location: 3p22.1.
Variant type: Microsatellite.
Coding change: c.887AGG[1] on transcript NM_152393.4 (MANE Select); one copy of the 3-base unit AGG starting at c.887; the reference has two copies in a row; one copy, 3 bases deleted.
Protein change: p.Glu297del; deletes glutamic acid 297.
Molecular consequence: inframe deletion.
Genome position (GRCh38, 1-based): chr3:42,686,508-42,686,510, AGG deleted; deleting any 3 consecutive bases within chr3:42,686,504-42,686,510 gives the same sequence; the position shown is the placement nearest the transcript's 3' end. VCF-style (leftmost placement, unchanged base first): chr3-42686503-TGAG-T. GRCh37 (hg19) VCF-style: chr3-42727995-TGAG-T.
Other names: short protein forms E297del.
Identifiers: ClinVar variation 641052 (VCV000641052.5), dbSNP rs1575218907, ClinGen allele CA915942431.